The following is an entry in ClinVar:

NM_152383.5(DIS3L2):c.1244A>G (p.Tyr415Cys)

Gene: DIS3L2 (DIS3 like 3'-5' exoribonuclease 2; plus strand). Cytogenetic location: 2q37.1.
Variant type: single nucleotide variant.
Coding change: c.1244A>G on transcript NM_152383.5 (MANE Select); coding-DNA position 1244, A replaced by G.
Protein change: p.Tyr415Cys; replaces tyrosine 415 with cysteine.
Molecular consequence: missense variant. On other transcripts: non-coding transcript variant (2).
Genome position (GRCh38, 1-based): chr2:232,238,572, A>G. VCF-style: chr2-232238572-A-G. GRCh37 (hg19) VCF-style: chr2-233103282-A-G.
Other names: c.1244A>G, p.Tyr415Cys (NM_001257281.2); short protein forms Y415C.
Identifiers: ClinVar variation 1056287 (VCV001056287.9), dbSNP rs2106252272, ClinGen allele CA351154639.
Genomic context (GRCh38, chr2:232,238,572, plus strand): 5'-GTCCTTCTCGTGCATTTACAGGCAACTTCAAAGTGGGAGTTCACATTGCTGACGTGAGTT[A>G]CTTTGTTCCGGAGGGATCTGATCTGGATAAAGTGGCTGCCGAGAGGGCTACAAGCGTCTA-3'
Protein context (NP_689596.4, residues 405-425): KVGVHIADVS[Tyr415Cys]FVPEGSDLDK

ClinVar aggregate classification (germline): Uncertain significance (1 of 4 stars; one submission).

Conditions:
Perlman syndrome (PRLMNS). Identifiers: Orphanet 2849, MedGen C0796113, MONDO:0009965, OMIM 267000.

Allele frequency attached by ClinVar (database versions not stated): gnomAD exomes below 0.00001.
gnomAD v4.1: 1 of 1,614,212 alleles (0.000062%); highest among the groups gnomAD compares: Non-Finnish European, 0.000085%; no homozygotes.

Submission:

Labcorp Genetics (formerly Invitae), Labcorp
Classification: Uncertain significance for Perlman syndrome. Last evaluated: 2020-06-09. Review status: criteria provided, single submitter. Criteria: Invitae Variant Classification Sherloc (09022015). Collection method: clinical testing. Allele origin: germline.
Comment: This variant is not present in population databases (ExAC no frequency). In summary, the available evidence is currently insufficient to determine the role of this variant in disease. Therefore, it has been classified as a Variant of Uncertain Significance. Algorithms developed to predict the effect of missense changes on protein structure and function are either unavailable or do not agree on the potential impact of this missense change (SIFT: "Deleterious"; PolyPhen-2: "Probably Damaging"; Align-GVGD: "Class C0"). This variant has not been reported in the literature in individuals with DIS3L2-related conditions. This sequence change replaces tyrosine with cysteine at codon 415 of the DIS3L2 protein (p.Tyr415Cys). The tyrosine residue is moderately conserved and there is a large physicochemical difference between tyrosine and cysteine.